The following is an entry in ClinVar:

ClinVar aggregate classification (germline): Benign/Likely benign. Review status: criteria provided, multiple submitters, no conflicts (2 of 4 stars). 5 submissions from 5 submitters: Benign (1); Likely benign (4). Last evaluated 2026-02-04.

Conditions:
Autosomal recessive osteopetrosis 5. Identifiers: Orphanet 85179, MedGen C1968603, MONDO:0009817, OMIM 259720.

Allele frequency attached by ClinVar (database versions not stated): 1000 Genomes Project 0.00040; 1000 Genomes Project 30x 0.00047; gnomAD 0.00110 and 0.00111; TOPMed 0.00128; gnomAD exomes 0.00174 and 0.00175; ESP Exome Variant Server 0.00185; ExAC 0.00202.
gnomAD v4.1: 2,684 of 1,584,672 alleles (0.17%); highest among the groups gnomAD compares: Admixed American, 0.2%; 1 homozygote.

Submissions (5):

Labcorp Genetics (formerly Invitae), Labcorp
Classification: Benign. Last evaluated: 2026-02-04. Review status: criteria provided, single submitter. Criteria: Invitae Variant Classification Sherloc (09022015). Collection method: clinical testing. Allele origin: germline.

Blueprint Genetics
Classification: Likely benign. Last evaluated: 2024-11-20. Review status: criteria provided, single submitter. Criteria: ACMG Guidelines, 2015. Collection method: clinical testing. Allele origin: germline.

CeGaT Center for Human Genetics Tuebingen
Classification: Likely benign. Last evaluated: 2022-03-01. Review status: criteria provided, single submitter. Criteria: CeGaT Center For Human Genetics Tuebingen Variant Classification Criteria Version 2. Collection method: clinical testing. Allele origin: germline. Affected: yes. Observed: 1 variant allele.
Comment: OSTM1: BP4, BP7

Illumina Laboratory Services, Illumina
Classification: Likely benign for Autosomal recessive osteopetrosis 5. Last evaluated: 2018-01-13. Review status: criteria provided, single submitter. Criteria: ICSL Variant Classification Criteria 13 December 2019. Collection method: clinical testing. Allele origin: germline.
Comment: This variant was observed in the ICSL laboratory as part of a predisposition screen in an ostensibly healthy population. It had not been previously curated by ICSL or reported in the Human Gene Mutation Database (HGMD: prior to June 1st, 2018), and was therefore a candidate for classification through an automated scoring system. Utilizing variant allele frequency, disease prevalence and penetrance estimates, and inheritance mode, an automated score was calculated to assess if this variant is too frequent to cause the disease. Based on the score and internal cut-off values, a variant classified as likely benign is not then subjected to further curation. The score for this variant resulted in a classification of likely benign for this disease.

Breakthrough Genomics
Classification: Likely benign. Review status: criteria provided, single submitter. Criteria: ACMG Guidelines, 2015. Collection method: not provided. Allele origin: germline. Inheritance: Autosomal recessive inheritance. Affected: yes.

NM_014028.4(OSTM1):c.495A>G (p.Thr165=)

Gene: OSTM1 (osteoclastogenesis associated transmembrane protein 1; minus strand). Cytogenetic location: 6q21.
Variant type: single nucleotide variant.
Coding change: c.495A>G on transcript NM_014028.4 (MANE Select); coding-DNA position 495, A replaced by G.
Protein change: p.Thr165=; no amino-acid change (threonine 165 retained).
Molecular consequence: synonymous variant.
Genome position (GRCh38, 1-based): chr6:108,064,207, T>C on the plus strand (A>G on the coding strand, the complement: OSTM1 is on the minus strand). VCF-style: chr6-108064207-T-C. GRCh37 (hg19) VCF-style: chr6-108385411-T-C.
Identifiers: ClinVar variation 721075 (VCV000721075.40), dbSNP rs137974384, ClinGen allele CA3948048.
Genomic context (GRCh38, chr6:108,064,207, plus strand): 5'-AACCATAACTGCAACATGAAAATGAAAGAATTACTTACTTGCACAATTTGCCTCCTGCCA[T>C]GTGGTATTAAAAAATTCTGAGAGAATCACAACTATTTGCATTCTATCTGCCATTAAGAGA-3'
Protein context (NP_054747.2, residues 155-175): VVILSEFFNT[Thr165=]WQEANCANCL